The following is an entry in ClinVar:

ClinVar aggregate classification (germline): Uncertain significance (1 of 4 stars; one submission).

Conditions:
Inborn genetic diseases. Identifiers: MedGen C0950123, MeSH D030342.

Allele frequency attached by ClinVar (database versions not stated): gnomAD exomes below 0.00001.
gnomAD v4.1: 1 of 1,614,210 alleles (0.000062%); highest among the groups gnomAD compares: Middle Eastern, 0.016%; no homozygotes.

Submission:

Ambry Genetics
Classification: Uncertain significance for Inborn genetic diseases. Last evaluated: 2018-11-14. Review status: criteria provided, single submitter. Criteria: Ambry Variant Classification Scheme 2023. Collection method: clinical testing. Allele origin: germline.
Comment: The p.L267M variant (also known as c.799C>A), located in coding exon 5 of the POGZ gene, results from a C to A substitution at nucleotide position 799. The leucine at codon 267 is replaced by methionine, an amino acid with highly similar properties. This amino acid position is highly conserved in available vertebrate species. In addition, this alteration is predicted to be tolerated by in silico analysis. Since supporting evidence is limited at this time, the clinical significance of this alteration remains unclear.

NM_015100.4(POGZ):c.799C>A (p.Leu267Met)

Gene: POGZ (pogo transposable element derived with ZNF domain; minus strand). Cytogenetic location: 1q21.3.
Variant type: single nucleotide variant.
Coding change: c.799C>A on transcript NM_015100.4 (MANE Select); coding-DNA position 799, C replaced by A.
Protein change: p.Leu267Met; replaces leucine 267 with methionine.
Molecular consequence: missense variant.
Genome position (GRCh38, 1-based): chr1:151,428,183, G>T on the plus strand (C>A on the coding strand, the complement: POGZ is on the minus strand). VCF-style: chr1-151428183-G-T. GRCh37 (hg19) VCF-style: chr1-151400659-G-T.
Other names: c.799C>A, p.Leu267Met (NM_001194937.2); c.640C>A, p.Leu214Met (NM_001194938.2, NM_207171.2); c.820C>A, p.Leu274Met (NM_001410860.1); c.514C>A, p.Leu172Met (NM_145796.4); short protein forms L214M, L172M, L267M, L274M.
Identifiers: ClinVar variation 1761539 (VCV001761539.2), dbSNP rs1166333029, ClinGen allele CA341977323.